The following is an entry in ClinVar:

NM_015175.3(NBEAL2):c.1476_1479dup (p.Leu494fs)

Gene: NBEAL2 (neurobeachin like 2; plus strand). Cytogenetic location: 3p21.31.
Variant type: Microsatellite.
Coding change: c.1476_1479dup on transcript NM_015175.3 (MANE Select); coding-DNA positions 1476 to 1479, 4 bases duplicated (AGGC; older notation c.1476_1479dupAGGC).
Protein change: p.Leu494fs; shifts the reading frame from leucine 494.
Molecular consequence: frameshift variant.
Genome position (GRCh38, 1-based): chr3:46,995,211-46,995,214, AGGC duplicated; duplicating any 4 consecutive bases within chr3:46,995,205-46,995,214 gives the same sequence; the c. name uses the placement nearest the transcript's 3' end. VCF-style (leftmost placement, unchanged base first): chr3-46995204-T-TGCAG. GRCh37 (hg19) VCF-style: chr3-47036694-T-TGCAG.
Other names: c.1374_1377dup, p.Leu460fs (NM_001365116.2); short protein forms L460fs, L494fs.
Identifiers: ClinVar variation 982290 (VCV000982290.1), dbSNP rs781366964, ClinGen allele CA2360391.

ClinVar aggregate classification (germline): Pathogenic (1 of 4 stars; one submission).

Conditions:
Gray platelet syndrome (GPS). Also called: BLEEDING DISORDER, PLATELET-TYPE, 4. Identifiers: Orphanet 721, MedGen C0272302, MONDO:0007686, OMIM 139090.

Submission:

NIHR Bioresource Rare Diseases, University of Cambridge
Classification: Pathogenic for Gray platelet syndrome. Last evaluated: 2020-03-01. Review status: criteria provided, single submitter. Criteria: ACMG Guidelines, 2015. Collection method: research. Allele origin: unknown. Inheritance: Autosomal recessive inheritance. Affected: yes. Observed: 1 homozygote.
Comment: ACMG criteria: PVS1, PM2, PM3, PP4

Literature cited by the submitters: PubMed 32693407.